The following is an entry in ClinVar:

ClinVar aggregate classification (germline): Conflicting classifications of pathogenicity. Review status: criteria provided, conflicting classifications (1 of 4 stars). 2 submissions from 2 submitters: Uncertain significance (1); Likely benign (1). Last evaluated 2023-12-02.

Conditions:
Primary ciliary dyskinesia. Also called: Ciliary dyskinesia. Identifiers: Orphanet 244, MedGen C0008780, MONDO:0016575, HP:0012265.

Allele frequency attached by ClinVar (database versions not stated): gnomAD exomes 0.00010 and 0.00014; ExAC 0.00012; 1000 Genomes Project 0.00020; 1000 Genomes Project 30x 0.00031; ESP Exome Variant Server 0.00031; gnomAD 0.00054 and 0.00060.
gnomAD v4.1: 237 of 1,614,208 alleles (0.015%); highest among the groups gnomAD compares: African/African-American, 0.18%; no homozygotes.

Submissions (2):

Ambry Genetics
Classification: Likely benign for Primary ciliary dyskinesia. Last evaluated: 2023-12-02. Review status: criteria provided, single submitter. Criteria: Ambry Variant Classification Scheme 2023. Collection method: clinical testing. Allele origin: germline.

Labcorp Genetics (formerly Invitae), Labcorp
Classification: Uncertain significance for Primary ciliary dyskinesia. Last evaluated: 2022-07-14. Review status: criteria provided, single submitter. Criteria: Invitae Variant Classification Sherloc (09022015). Collection method: clinical testing. Allele origin: germline.
Comment: This sequence change replaces glycine, which is neutral and non-polar, with arginine, which is basic and polar, at codon 240 of the DNAAF5 protein (p.Gly240Arg). This variant is present in population databases (rs142141660, gnomAD 0.2%). This variant has not been reported in the literature in individuals affected with DNAAF5-related conditions. ClinVar contains an entry for this variant (Variation ID: 1394300). Algorithms developed to predict the effect of missense changes on protein structure and function are either unavailable or do not agree on the potential impact of this missense change (SIFT: "Deleterious"; PolyPhen-2: "Probably Damaging"; Align-GVGD: "Class C0"). Algorithms developed to predict the effect of sequence changes on RNA splicing suggest that this variant may create or strengthen a splice site. In summary, the available evidence is currently insufficient to determine the role of this variant in disease. Therefore, it has been classified as a Variant of Uncertain Significance.

NM_017802.4(DNAAF5):c.718G>A (p.Gly240Arg)

Gene: DNAAF5 (dynein axonemal assembly factor 5; plus strand). Cytogenetic location: 7p22.3.
Variant type: single nucleotide variant.
Coding change: c.718G>A on transcript NM_017802.4 (MANE Select); coding-DNA position 718, G replaced by A.
Protein change: p.Gly240Arg; replaces glycine 240 with arginine.
Molecular consequence: missense variant. On other transcripts: non-coding transcript variant (1).
Genome position (GRCh38, 1-based): chr7:729,785, G>A. VCF-style: chr7-729785-G-A. GRCh37 (hg19) VCF-style: chr7-769422-G-A.
Other names: c.718G>A (NM_017802.3); short protein forms G240R.
Identifiers: ClinVar variation 1394300 (VCV001394300.4), dbSNP rs142141660, ClinGen allele CA4110409.
Genomic context (GRCh38, chr7:729,785, plus strand): 5'-CACTGGAAGGTCCGTGTGGCCGCCATTGAAGCCACAGGCGCAGTGATCCATTTTGGCAAC[G>A]GGAAGTCCGTGGACGACGTGCTTTCCCATTTTGCTCAGCGACTGTTTGATGACGTCCCGC-3'
Protein context (NP_060272.3, residues 230-250): ATGAVIHFGN[Gly240Arg]KSVDDVLSHF